The following is an entry in ClinVar:

ClinVar aggregate classification (germline): Likely benign. Review status: criteria provided, multiple submitters, no conflicts (2 of 4 stars). 2 submissions from 2 submitters: Likely benign (2). Last evaluated 2026-01-18.

Conditions:
Combined immunodeficiency due to DOCK8 deficiency (HIES2). Also called: DOCK8 Deficiency; HIES autosomal recessive; Hyper-IgE recurrent infection syndrome, autosomal recessive; HYPER-IgE RECURRENT INFECTION SYNDROME 2, AUTOSOMAL RECESSIVE; HYPER-IgE SYNDROME 2, AUTOSOMAL RECESSIVE, WITH RECURRENT INFECTIONS. Identifiers: Orphanet 217390, MedGen C4722305, MONDO:0009478, OMIM 243700.

gnomAD v4.1: 16 of 1,613,854 alleles (0.00099%); highest among the groups gnomAD compares: Non-Finnish European, 0.0013%; no homozygotes.

Submissions (2):

Labcorp Genetics (formerly Invitae), Labcorp
Classification: Likely benign for Combined immunodeficiency due to DOCK8 deficiency. Last evaluated: 2026-01-18. Review status: criteria provided, single submitter. Criteria: Invitae Variant Classification Sherloc (09022015). Collection method: clinical testing. Allele origin: germline.

CeGaT Center for Human Genetics Tuebingen
Classification: Likely benign. Last evaluated: 2023-12-01. Review status: criteria provided, single submitter. Criteria: CeGaT Center For Human Genetics Tuebingen Variant Classification Criteria Version 2. Collection method: clinical testing. Allele origin: germline. Affected: yes. Observed: 1 variant allele.
Comment: DOCK8: BP4, BP7

NM_203447.4(DOCK8):c.2916C>A (p.Thr972=)

Gene: DOCK8 (dedicator of cytokinesis 8; plus strand). Cytogenetic location: 9p24.3.
Variant type: single nucleotide variant.
Coding change: c.2916C>A on transcript NM_203447.4 (MANE Select); coding-DNA position 2916, C replaced by A.
Protein change: p.Thr972=; no amino-acid change (threonine 972 retained).
Molecular consequence: synonymous variant.
Genome position (GRCh38, 1-based): chr9:390,512, C>A. VCF-style: chr9-390512-C-A. GRCh37 (hg19) VCF-style: chr9-390512-C-A.
Other names: c.2616C>A, p.Thr872= (NM_001190458.2); c.2712C>A, p.Thr904= (NM_001193536.2).
Identifiers: ClinVar variation 1092381 (VCV001092381.31), dbSNP rs2297075, ClinGen allele CA187747905.